The following is an entry in ClinVar:

ClinVar aggregate classification (germline): Uncertain significance. Review status: criteria provided, multiple submitters, no conflicts (2 of 4 stars). 2 submissions from 2 submitters: Uncertain significance (2). Last evaluated 2023-09-28.

Conditions:
Inborn genetic diseases. Identifiers: MedGen C0950123, MeSH D030342.

Allele frequency attached by ClinVar (database versions not stated): gnomAD 0.00003; TOPMed 0.00008; ExAC 0.00009; gnomAD exomes 0.00012.
gnomAD v4.1: 186 of 1,613,918 alleles (0.012%); highest among the groups gnomAD compares: Non-Finnish European, 0.015%; no homozygotes.

Submissions (2):

GeneDx
Classification: Uncertain significance. Last evaluated: 2023-09-28. Review status: criteria provided, single submitter. Criteria: GeneDx Variant Classification Process June 2021. Collection method: clinical testing. Allele origin: germline. Affected: yes.
Comment: In silico analysis supports that this missense variant does not alter protein structure/function; This variant is associated with the following publications: (PMID: 32368696)

Ambry Genetics
Classification: Uncertain significance for Inborn genetic diseases. Last evaluated: 2022-07-08. Review status: criteria provided, single submitter. Criteria: Ambry Variant Classification Scheme 2023. Collection method: clinical testing. Allele origin: germline.

Literature cited by the submitters: PubMed 32368696 (cited by Ambry Genetics).

NM_001128159.3(VPS53):c.1778C>T (p.Thr593Met)

Gene: VPS53 (VPS53 subunit of GARP complex; minus strand). Cytogenetic location: 17p13.3.
Variant type: single nucleotide variant.
Coding change: c.1778C>T on transcript NM_001128159.3 (MANE Select); coding-DNA position 1778, C replaced by T.
Protein change: p.Thr593Met; replaces threonine 593 with methionine.
Molecular consequence: missense variant.
Genome position (GRCh38, 1-based): chr17:553,389, G>A on the plus strand (C>T on the coding strand, the complement: VPS53 is on the minus strand). VCF-style: chr17-553389-G-A. GRCh37 (hg19) VCF-style: chr17-456629-G-A.
Other names: c.1778C>T, p.Thr593Met (NM_001366253.2); c.1184C>T, p.Thr395Met (NM_001366254.2); c.1691C>T, p.Thr564Met (NM_018289.4); short protein forms T564M, T395M, T593M.
Identifiers: ClinVar variation 3189019 (VCV003189019.2), dbSNP rs200767715, ClinGen allele CA8261306.